The following is an entry in ClinVar:

ClinVar aggregate classification (germline): Uncertain significance (1 of 4 stars; one submission).

Conditions:
Inborn genetic diseases. Identifiers: MedGen C0950123, MeSH D030342.

Submission:

Ambry Genetics
Classification: Uncertain significance for Inborn genetic diseases. Last evaluated: 2024-01-17. Review status: criteria provided, single submitter. Criteria: Ambry Variant Classification Scheme 2023. Collection method: clinical testing. Allele origin: germline.
Comment: The p.A617V variant (also known as c.1850C>T), located in coding exon 20 of the ERCC2 gene, results from a C to T substitution at nucleotide position 1850. The alanine at codon 617 is replaced by valine, an amino acid with similar properties. This amino acid position is conserved. In addition, this alteration is predicted to be deleterious by in silico analysis. Based on the available evidence, the clinical significance of this alteration remains unclear.

NM_000400.4(ERCC2):c.1850C>T (p.Ala617Val)

Gene: ERCC2 (ERCC excision repair 2, TFIIH core complex helicase subunit; minus strand). Cytogenetic location: 19q13.32.
Variant type: single nucleotide variant.
Coding change: c.1850C>T on transcript NM_000400.4 (MANE Select); coding-DNA position 1850, C replaced by T.
Protein change: p.Ala617Val; replaces alanine 617 with valine.
Molecular consequence: missense variant.
Genome position (GRCh38, 1-based): chr19:45,352,798, G>A on the plus strand (C>T on the coding strand, the complement: ERCC2 is on the minus strand). VCF-style: chr19-45352798-G-A. GRCh37 (hg19) VCF-style: chr19-45856056-G-A.
Other names: short protein forms A617V.
Identifiers: ClinVar variation 3231663 (VCV003231663.1), dbSNP rs2514000263, ClinGen allele CA406363891.